The following is an entry in ClinVar:

NM_006941.4(SOX10):c.429-15C>T

Genes: POLR2F (RNA polymerase II, I and III subunit F; plus strand), SOX10 (SRY-box transcription factor 10; minus strand). Cytogenetic location: 22q13.1.
Variant type: single nucleotide variant.
Coding change: c.429-15C>T on transcript NM_006941.4 (MANE Select); 15 bases into the intron before coding-DNA position 429, C replaced by T.
Molecular consequence: intron variant.
Genome position (GRCh38, 1-based): chr22:37,978,150, G>A on the plus strand (C>T on the coding strand, the complement: SOX10 is on the minus strand). VCF-style: chr22-37978150-G-A. GRCh37 (hg19) VCF-style: chr22-38374157-G-A.
Other names: c.*38+5840G>A (NM_001363825.1); c.294-8004G>A (NM_001301130.2); c.293+10980G>A (NM_001301131.2).
Identifiers: ClinVar variation 4983110 (VCV004983110.1).
Genomic context (GRCh38, chr22:37,978,150, plus strand): 5'-CTCAGCCTCCTCGATGAAGGGGCGCTTGTCACTTTCGTTCAGCAGCCTGGGGTGTGGTGG[G>A]AGGCGGAGAGGACAGCAGAGGGGCTGGCGTGAATGCCAGAGCACTCCAGGTTGGCCTCCC-3'

ClinVar aggregate classification (germline): Likely benign (1 of 4 stars; one submission).

Conditions:
SOX10-related disorder. Also called: SOX10-related condition.

gnomAD v4.1: 45 of 1,538,254 alleles (0.0029%); highest among the groups gnomAD compares: Non-Finnish European, 0.0038%; no homozygotes.

Submission:

PreventionGenetics, part of Exact Sciences
Classification: Likely benign for SOX10-related condition. Last evaluated: 2026-07-26. Review status: criteria provided, single submitter. Criteria: ACMG Guidelines, 2015. Collection method: clinical testing. Allele origin: germline.
Comment: This variant is classified as likely benign based on ACMG/AMP sequence variant interpretation guidelines (Richards et al. 2015 PMID: 25741868, with internal and published modifications).